The following is an entry in ClinVar:

ClinVar aggregate classification (germline): Pathogenic (1 of 4 stars; one submission).

Conditions:
Arrhythmogenic right ventricular dysplasia 9 (ARVD9). Also called: ARRHYTHMOGENIC RIGHT VENTRICULAR DYSPLASIA, FAMILIAL, 9; Arrhythmogenic Right Ventricular Dysplasia/Cardiomyopathy 9. Identifiers: MedGen C1836906, MONDO:0012180, OMIM 609040.

Submission:

Labcorp Genetics (formerly Invitae), Labcorp
Classification: Pathogenic for Arrhythmogenic right ventricular dysplasia 9. Last evaluated: 2017-01-10. Review status: criteria provided, single submitter. Criteria: Invitae Variant Classification Sherloc (09022015). Collection method: clinical testing. Allele origin: germline.
Comment: This variant is a gross deletion of the genomic region encompassing exons 2 and 3 of the PKP2 gene. This creates a premature translational stop signal and is expected to result in an absent or disrupted protein product. While this particular variant has not been reported in the literature, loss-of-function variants in PKP2 are known to be pathogenic (PMID: 15489853). For these reasons, this variant has been classified as Pathogenic.

NC_000012.12:g.(?_32877846)_(32879032_?)del

Gene: PKP2 (plakophilin 2; minus strand). Cytogenetic location: 12p11.21.
Variant type: Deletion.
Identifiers: ClinVar variation 417386 (VCV000417386.1).